The following is an entry in ClinVar:

ClinVar aggregate classification (germline): Uncertain significance (1 of 4 stars; one submission).

gnomAD v4.1: 8 of 1,587,284 alleles (0.0005%); highest among the groups gnomAD compares: Admixed American, 0.0033%; no homozygotes.

Submission:

Labcorp Genetics (formerly Invitae), Labcorp
Classification: Uncertain significance. Last evaluated: 2025-07-19. Review status: criteria provided, single submitter. Criteria: Invitae Variant Classification Sherloc (09022015). Collection method: clinical testing. Allele origin: germline.
Comment: This sequence change affects codon 275 of the KAT6A mRNA. It is a 'silent' change, meaning that it does not change the encoded amino acid sequence of the KAT6A protein. This variant also falls at the last nucleotide of exon 4, which is part of the consensus splice site for this exon. This variant is present in population databases (rs762682306, gnomAD 0.01%). This variant has not been reported in the literature in individuals affected with KAT6A-related conditions. ClinVar contains an entry for this variant (Variation ID: 3684257). Variants that disrupt the consensus splice site are a relatively common cause of aberrant splicing (PMID: 17576681, 9536098). Algorithms developed to predict the effect of sequence changes on RNA splicing suggest that this variant is not likely to affect RNA splicing. In summary, the available evidence is currently insufficient to determine the role of this variant in disease. Therefore, it has been classified as a Variant of Uncertain Significance.

Literature cited by the submitters: PubMed 17576681; PubMed 9536098.

NM_006766.5(KAT6A):c.825G>A (p.Ala275=)

Gene: KAT6A (lysine acetyltransferase 6A; minus strand). Cytogenetic location: 8p11.21.
Variant type: single nucleotide variant.
Coding change: c.825G>A on transcript NM_006766.5 (MANE Select); coding-DNA position 825, G replaced by A.
Protein change: p.Ala275=; no amino-acid change (alanine 275 retained).
Molecular consequence: synonymous variant.
Genome position (GRCh38, 1-based): chr8:41,981,839, C>T on the plus strand (G>A on the coding strand, the complement: KAT6A is on the minus strand). VCF-style: chr8-41981839-C-T. GRCh37 (hg19) VCF-style: chr8-41839357-C-T.
Other names: c.825G>A, p.Ala275= (NM_001305878.2).
Identifiers: ClinVar variation 3684257 (VCV003684257.2).